The following is an entry in ClinVar:

ClinVar aggregate classification (germline): Likely benign. Review status: criteria provided, single submitter (1 of 4 stars). 2 submissions from 2 submitters: Likely benign (1). 1 of the submissions does not count toward it. Last evaluated 2024-10-07.

Conditions:
AKR1C4-related disorder. Also called: AKR1C4-related condition.

Allele frequency attached by ClinVar (database versions not stated): gnomAD exomes 0.00005; ExAC 0.00016; 1000 Genomes Project 30x 0.00031; 1000 Genomes Project 0.00040; ESP Exome Variant Server 0.00046; gnomAD 0.00067; TOPMed 0.00072.
gnomAD v4.1: 178 of 1,614,068 alleles (0.011%); highest among the groups gnomAD compares: African/African-American, 0.23%; no homozygotes.

Submissions (2):

Labcorp Genetics (formerly Invitae), Labcorp
Classification: Likely benign. Last evaluated: 2024-10-07. Review status: criteria provided, single submitter. Criteria: Invitae Variant Classification Sherloc (09022015). Collection method: clinical testing. Allele origin: germline.

PreventionGenetics, part of Exact Sciences
Classification: Likely benign for AKR1C4-related condition. Last evaluated: 2023-10-03. Review status: no assertion criteria provided. Collection method: clinical testing. Allele origin: germline. Not counted in ClinVar's aggregate classification.
Comment: This variant is classified as likely benign based on ACMG/AMP sequence variant interpretation guidelines (Richards et al. 2015 PMID: 25741868, with internal and published modifications).

NM_001818.5(AKR1C4):c.544C>G (p.Leu182Val)

Gene: AKR1C4 (aldo-keto reductase family 1 member C4; plus strand). Cytogenetic location: 10p15.1.
Variant type: single nucleotide variant.
Coding change: c.544C>G on transcript NM_001818.5 (MANE Select); coding-DNA position 544, C replaced by G.
Protein change: p.Leu182Val; replaces leucine 182 with valine.
Molecular consequence: missense variant.
Genome position (GRCh38, 1-based): chr10:5,206,371, C>G. VCF-style: chr10-5206371-C-G. GRCh37 (hg19) VCF-style: chr10-5248334-C-G.
Other names: c.544C>G (NM_001818.3); short protein forms L182V.
Identifiers: ClinVar variation 2713434 (VCV002713434.5), dbSNP rs146088459, ClinGen allele CA5391490.